The following is an entry in ClinVar:

NM_000553.6(WRN):c.2315C>T (p.Pro772Leu)

Gene: WRN (WRN RecQ like helicase; plus strand). Cytogenetic location: 8p12.
Variant type: single nucleotide variant.
Coding change: c.2315C>T on transcript NM_000553.6 (MANE Select); coding-DNA position 2315, C replaced by T.
Protein change: p.Pro772Leu; replaces proline 772 with leucine.
Molecular consequence: missense variant.
Genome position (GRCh38, 1-based): chr8:31,116,395, C>T. VCF-style: chr8-31116395-C-T. GRCh37 (hg19) VCF-style: chr8-30973911-C-T.
Other names: short protein forms P772L.
Identifiers: ClinVar variation 641638 (VCV000641638.6), dbSNP rs140730934, ClinGen allele CA4704719.

ClinVar aggregate classification (germline): Uncertain significance. Review status: criteria provided, multiple submitters, no conflicts (2 of 4 stars). 2 submissions from 2 submitters: Uncertain significance (2). Last evaluated 2025-11-02.

Conditions:
Inborn genetic diseases. Identifiers: MedGen C0950123, MeSH D030342.
Werner syndrome (WRN). Identifiers: Orphanet 902, MedGen C0043119, MONDO:0010196, OMIM 277700.

Allele frequency attached by ClinVar (database versions not stated): gnomAD exomes below 0.00001 and 0.00001; ExAC 0.00002; ESP Exome Variant Server 0.00008.
gnomAD v4.1: 1 of 1,613,866 alleles (0.000062%); highest among the groups gnomAD compares: Non-Finnish European, 0.000085%; no homozygotes.

Submissions (2):

Ambry Genetics
Classification: Uncertain significance for Inborn genetic diseases. Last evaluated: 2025-11-02. Review status: criteria provided, single submitter. Criteria: Ambry Variant Classification Scheme 2023. Collection method: clinical testing. Allele origin: germline.

Labcorp Genetics (formerly Invitae), Labcorp
Classification: Uncertain significance for Werner syndrome. Last evaluated: 2025-09-14. Review status: criteria provided, single submitter. Criteria: Invitae Variant Classification Sherloc (09022015). Collection method: clinical testing. Allele origin: germline.
Comment: This sequence change replaces proline, which is neutral and non-polar, with leucine, which is neutral and non-polar, at codon 772 of the WRN protein (p.Pro772Leu). This variant is present in population databases (rs140730934, gnomAD 0.002%). This variant has not been reported in the literature in individuals affected with WRN-related conditions. ClinVar contains an entry for this variant (Variation ID: 641638). An algorithm developed to predict the effect of missense changes on protein structure and function outputs the following: PolyPhen-2: "Benign". The leucine amino acid residue is found in multiple mammalian species, which suggests that this missense change does not adversely affect protein function. In summary, the available evidence is currently insufficient to determine the role of this variant in disease. Therefore, it has been classified as a Variant of Uncertain Significance.